The following is an entry in ClinVar:

NM_015662.3(IFT172):c.3005T>A (p.Leu1002His)

Gene: IFT172 (intraflagellar transport 172; minus strand). Cytogenetic location: 2p23.3.
Variant type: single nucleotide variant.
Coding change: c.3005T>A on transcript NM_015662.3 (MANE Select); coding-DNA position 3005, T replaced by A.
Protein change: p.Leu1002His; replaces leucine 1002 with histidine.
Molecular consequence: missense variant.
Genome position (GRCh38, 1-based): chr2:27,457,947, A>T on the plus strand (T>A on the coding strand, the complement: IFT172 is on the minus strand). VCF-style: chr2-27457947-A-T. GRCh37 (hg19) VCF-style: chr2-27680814-A-T.
Other names: c.3005T>A (NM_015662.1); short protein forms L1002H.
Identifiers: ClinVar variation 953338 (VCV000953338.15), dbSNP rs369466577, ClinGen allele CA1580104.

ClinVar aggregate classification (germline): Conflicting classifications of pathogenicity. Review status: criteria provided, conflicting classifications (1 of 4 stars). 5 submissions from 5 submitters: Uncertain significance (2); Likely benign (2). 1 of the submissions does not count toward it. Last evaluated 2025-10-16.

Conditions:
Inborn genetic diseases. Identifiers: MedGen C0950123, MeSH D030342.
IFT172-related disorder. Also called: IFT172-related disorders; IFT172-related condition.
Retinitis pigmentosa 71 (RP71). Identifiers: Orphanet 791, MedGen C4225342, MONDO:0014618, OMIM 616394.
Short-rib thoracic dysplasia 10 with or without polydactyly (SRTD10). Identifiers: Orphanet 474, MedGen C3810175, MONDO:0014284, OMIM 615630.

Allele frequency attached by ClinVar (database versions not stated): gnomAD exomes 0.00004 and 0.00006; ExAC 0.00007; ESP Exome Variant Server 0.00015; 1000 Genomes Project 30x 0.00016; 1000 Genomes Project 0.00020; gnomAD 0.00028 and 0.00031; TOPMed 0.00034.
gnomAD v4.1: 94 of 1,614,174 alleles (0.0058%); highest among the groups gnomAD compares: African/African-American, 0.097%; no homozygotes.

Submissions (5):

Labcorp Genetics (formerly Invitae), Labcorp
Classification: Likely benign for Retinitis pigmentosa 71; Short-rib thoracic dysplasia 10 with or without polydactyly. Last evaluated: 2025-10-16. Review status: criteria provided, single submitter. Criteria: Invitae Variant Classification Sherloc (09022015). Collection method: clinical testing. Allele origin: germline.

Blueprint Genetics
Classification: Likely benign. Last evaluated: 2022-09-13. Review status: criteria provided, single submitter. Criteria: ACMG Guidelines, 2015. Collection method: clinical testing. Allele origin: germline.

Ambry Genetics
Classification: Uncertain significance for Inborn genetic diseases. Last evaluated: 2021-06-11. Review status: criteria provided, single submitter. Criteria: Ambry Variant Classification Scheme 2023. Collection method: clinical testing. Allele origin: germline.

GeneDx
Classification: Uncertain significance. Last evaluated: 2021-03-30. Review status: criteria provided, single submitter. Criteria: GeneDx Variant Classification Process June 2021. Collection method: clinical testing. Allele origin: germline. Affected: yes.
Comment: In silico analysis, which includes protein predictors and evolutionary conservation, supports a deleterious effect; Has not been previously published as pathogenic or benign to our knowledge

PreventionGenetics, part of Exact Sciences
Classification: Likely benign for IFT172-related condition. Last evaluated: 2020-02-05. Review status: no assertion criteria provided. Collection method: clinical testing. Allele origin: germline. Not counted in ClinVar's aggregate classification.
Comment: This variant is classified as likely benign based on ACMG/AMP sequence variant interpretation guidelines (Richards et al. 2015 PMID: 25741868, with internal and published modifications).